The following is an entry in ClinVar:

NM_024496.4(IRF2BPL):c.1687G>C (p.Glu563Gln)

Gene: IRF2BPL (interferon regulatory factor 2 binding protein like; minus strand). Cytogenetic location: 14q24.3.
Variant type: single nucleotide variant.
Coding change: c.1687G>C on transcript NM_024496.4 (MANE Select); coding-DNA position 1687, G replaced by C.
Protein change: p.Glu563Gln; replaces glutamic acid 563 with glutamine.
Molecular consequence: missense variant.
Genome position (GRCh38, 1-based): chr14:77,026,106, C>G on the plus strand (G>C on the coding strand, the complement: IRF2BPL is on the minus strand). VCF-style: chr14-77026106-C-G. GRCh37 (hg19) VCF-style: chr14-77492449-C-G.
Other names: short protein forms E563Q.
Identifiers: ClinVar variation 1314729 (VCV001314729.2), dbSNP rs867358854, ClinGen allele CA390492511.
Genomic context (GRCh38, chr14:77,026,106, plus strand): 5'-CGGACATGGTGAGCTTCAGCGCCTCGCTCTGGTTCGCCATCCACTGCTGCCTCTGCTGTT[C>G]CTCGCCCAGCTTCAGCGCGCCCTCGGCTGAGTCCGGGGGCTCCGGAGAGGCCTTTCTCTT-3'
Protein context (NP_078772.1, residues 553-573): SAEGALKLGE[Glu563Gln]QQRQQWMANQ

ClinVar aggregate classification (germline): Uncertain significance (1 of 4 stars; one submission).

Allele frequency attached by ClinVar (database versions not stated): gnomAD exomes below 0.00001.

Submission:

GeneDx
Classification: Uncertain significance. Last evaluated: 2021-04-19. Review status: criteria provided, single submitter. Criteria: GeneDx Variant Classification Process June 2021. Collection method: clinical testing. Allele origin: germline. Affected: yes.
Comment: Not observed in large population cohorts (Lek et al., 2016); In silico analysis supports that this missense variant does not alter protein structure/function; Has not been previously published as pathogenic or benign to our knowledge